The following is an entry in ClinVar:

NM_001127222.2(CACNA1A):c.6680G>A (p.Arg2227His)

Gene: CACNA1A (calcium voltage-gated channel subunit alpha1 A; minus strand). Cytogenetic location: 19p13.13.
Variant type: single nucleotide variant.
Coding change: c.6680G>A on transcript NM_001127222.2 (MANE Select); coding-DNA position 6680, G replaced by A.
Protein change: p.Arg2227His; replaces arginine 2227 with histidine.
Molecular consequence: missense variant.
Genome position (GRCh38, 1-based): chr19:13,208,856, C>T on the plus strand (G>A on the coding strand, the complement: CACNA1A is on the minus strand). VCF-style: chr19-13208856-C-T. GRCh37 (hg19) VCF-style: chr19-13319670-C-T.
Other names: c.6680G>A (NM_001127222.1); c.6698G>A, p.Arg2233His (NM_000068.4, NM_023035.3); c.6683G>A, p.Arg2228His (NM_001127221.2); c.6689G>A, p.Arg2230His (NM_001174080.2); short protein forms R2227H, R2228H, R2230H, R2233H.
Identifiers: ClinVar variation 642549 (VCV000642549.16), dbSNP rs1064793075, ClinGen allele CA404329734.

ClinVar aggregate classification (germline): Conflicting classifications of pathogenicity. Review status: criteria provided, conflicting classifications (1 of 4 stars). 5 submissions from 5 submitters: Likely pathogenic (1); Uncertain significance (1); Likely benign (3). Last evaluated 2025-08-31.

Conditions:
Inborn genetic diseases. Identifiers: MedGen C0950123, MeSH D030342.
CACNA1A-related disorder. Also called: CACNA1A-related condition.
Episodic ataxia type 2 (EA2). Also called: ATAXIA, EPISODIC, WITH NYSTAGMUS; ATAXIA, FAMILIAL PAROXYSMAL; ACETAZOLAMIDE-RESPONSIVE HEREDITARY PAROXYSMAL CEREBELLAR ATAXIA; CEREBELLAR ATAXIA, PAROXYSMAL, ACETAZOLAMIDE-RESPONSIVE; CEREBELLOPATHY, HEREDITARY PAROXYSMAL; EPISODIC ATAXIA, NYSTAGMUS-ASSOCIATED. Identifiers: Orphanet 97, MedGen C1720416, MONDO:0007163, OMIM 108500.
Developmental and epileptic encephalopathy, 42 (DEE42A). Also called: DEVELOPMENTAL AND EPILEPTIC ENCEPHALOPATHY 42A; EPILEPTIC ENCEPHALOPATHY, EARLY INFANTILE, 42A; Epileptic encephalopathy, early infantile, 42. Identifiers: MedGen C4310716, MONDO:0014917, OMIM 617106.

Allele frequency attached by ClinVar (database versions not stated): TOPMed 0.00005.
gnomAD v4.1: 115 of 1,438,768 alleles (0.008%); highest among the groups gnomAD compares: Non-Finnish European, 0.0096%; no homozygotes.

Submissions (5):

Labcorp Genetics (formerly Invitae), Labcorp
Classification: Likely pathogenic for Developmental and epileptic encephalopathy, 42; Episodic ataxia type 2. Last evaluated: 2025-08-31. Review status: criteria provided, single submitter. Criteria: Invitae Variant Classification Sherloc (09022015). Collection method: clinical testing. Allele origin: germline.
Comment: This sequence change replaces arginine, which is basic and polar, with histidine, which is basic and polar, at codon 2228 of the CACNA1A protein (p.Arg2228His). This variant is present in population databases (no rsID available, gnomAD 0.009%). This missense change has been observed in individuals with clinical features of CACNA1A-related disorders (internal data). ClinVar contains an entry for this variant (Variation ID: 642549). Invitae Evidence Modeling of protein sequence and biophysical properties (such as structural, functional, and spatial information, amino acid conservation, physicochemical variation, residue mobility, and thermodynamic stability) indicates that this missense variant is not expected to disrupt CACNA1A protein function with a negative predictive value of 95%. This variant disrupts the p.Arg2228 amino acid residue in CACNA1A. Other variant(s) that disrupt this residue have been observed in individuals with CACNA1A-related conditions (internal data), which suggests that this may be a clinically significant amino acid residue. In summary, the currently available evidence indicates that the variant is pathogenic, but additional data are needed to prove that conclusively. Therefore, this variant has been classified as Likely Pathogenic.

PreventionGenetics, part of Exact Sciences
Classification: Likely benign for CACNA1A-related condition. Last evaluated: 2025-02-06. Review status: criteria provided, single submitter. Criteria: ACMG Guidelines, 2015. Collection method: clinical testing. Allele origin: germline.
Comment: This variant is classified as likely benign based on ACMG/AMP sequence variant interpretation guidelines (Richards et al. 2015 PMID: 25741868, with internal and published modifications).

Ambry Genetics
Classification: Likely benign for Inborn genetic diseases. Last evaluated: 2022-08-03. Review status: criteria provided, single submitter. Criteria: Ambry Variant Classification Scheme 2023. Collection method: clinical testing. Allele origin: germline.

Revvity Omics, Revvity
Classification: Uncertain significance. Last evaluated: 2021-04-07. Review status: criteria provided, single submitter. Criteria: ACMG Guidelines, 2015. Collection method: clinical testing. Allele origin: germline.

GeneDx
Classification: Likely benign. Last evaluated: 2020-07-22. Review status: criteria provided, single submitter. Criteria: GeneDx Variant Classification Process June 2021. Collection method: clinical testing. Allele origin: germline. Affected: yes.
Comment: In silico analysis supports that this missense variant has a deleterious effect on protein structure/function